The following is an entry in ClinVar:

ClinVar aggregate classification (germline): Uncertain significance (1 of 4 stars; one submission).

Allele frequency attached by ClinVar (database versions not stated): gnomAD exomes below 0.00001; TOPMed below 0.00001.

Submission:

Labcorp Genetics (formerly Invitae), Labcorp
Classification: Uncertain significance. Last evaluated: 2022-03-15. Review status: criteria provided, single submitter. Criteria: Invitae Variant Classification Sherloc (09022015). Collection method: clinical testing. Allele origin: germline.
Comment: This sequence change creates a premature translational stop signal (p.Cys578*) in the ADGRE2 gene. It is expected to result in an absent or disrupted protein product. However, the current clinical and genetic evidence is not sufficient to establish whether loss-of-function variants in ADGRE2 cause disease. This variant is not present in population databases (gnomAD no frequency). This variant has not been reported in the literature in individuals affected with ADGRE2-related conditions. Experimental studies and prediction algorithms are not available or were not evaluated, and the functional significance of this variant is currently unknown. In summary, the available evidence is currently insufficient to determine the role of this variant in disease. Therefore, it has been classified as a Variant of Uncertain Significance.

NM_013447.4(ADGRE2):c.1734C>A (p.Cys578Ter)

Gene: ADGRE2 (adhesion G protein-coupled receptor E2; minus strand). Cytogenetic location: 19p13.12.
Variant type: single nucleotide variant.
Coding change: c.1734C>A on transcript NM_013447.4 (MANE Select); coding-DNA position 1734, C replaced by A.
Protein change: p.Cys578Ter; replaces cysteine 578 with a stop codon.
Molecular consequence: nonsense.
Genome position (GRCh38, 1-based): chr19:14,752,383, G>T on the plus strand (C>A on the coding strand, the complement: ADGRE2 is on the minus strand). VCF-style: chr19-14752383-G-T. GRCh37 (hg19) VCF-style: chr19-14863195-G-T.
Other names: c.1560C>A, p.Cys520Ter (NM_001271052.1); c.1587C>A, p.Cys529Ter (NM_152916.2); c.1455C>A, p.Cys485Ter (NM_152917.2); short protein forms C529*, C578*, C485*, C520*.
Identifiers: ClinVar variation 2048653 (VCV002048653.4), dbSNP rs2043326840, ClinGen allele CA404453306.
Genomic context (GRCh38, chr19:14,752,383, plus strand): 5'-CAATACCTTGTGTCCGGTTTGATCAATTGCCACGAGGAAGAGGAGGTGGGCCAGGAAGAG[G>T]CAGAGCGAGAGCTGCAGATGCAGTGAGGTGCTGGTGTTCTGGATGGCTTTACACAGGAGA-3'